The following is an entry in ClinVar:

ClinVar aggregate classification (germline): Uncertain significance (1 of 4 stars; one submission).

gnomAD v4.1: 3 of 1,613,028 alleles (0.00019%); highest among the groups gnomAD compares: Admixed American, 0.0017%; no homozygotes.

Submission:

GeneDx
Classification: Uncertain significance. Last evaluated: 2024-09-23. Review status: criteria provided, single submitter. Criteria: GeneDx Variant Classification Process June 2021. Collection method: clinical testing. Allele origin: germline. Affected: yes.
Comment: Not observed at significant frequency in large population cohorts (gnomAD); In silico analysis indicates that this missense variant does not alter protein structure/function; Has not been previously published as pathogenic or benign to our knowledge

NM_006412.4(AGPAT2):c.394A>C (p.Ile132Leu)

Gene: AGPAT2 (1-acylglycerol-3-phosphate O-acyltransferase 2; minus strand). Cytogenetic location: 9q34.3.
Variant type: single nucleotide variant.
Coding change: c.394A>C on transcript NM_006412.4 (MANE Select); coding-DNA position 394, A replaced by C.
Protein change: p.Ile132Leu; replaces isoleucine 132 with leucine.
Molecular consequence: missense variant.
Genome position (GRCh38, 1-based): chr9:136,677,059, T>G on the plus strand (A>C on the coding strand, the complement: AGPAT2 is on the minus strand). VCF-style: chr9-136677059-T-G. GRCh37 (hg19) VCF-style: chr9-139571511-T-G.
Other names: c.394A>C, p.Ile132Leu (NM_001012727.2); short protein forms I132L.
Identifiers: ClinVar variation 3774112 (VCV003774112.1).